The following is an entry in ClinVar:

ClinVar aggregate classification (germline): Pathogenic/Likely pathogenic. Review status: criteria provided, multiple submitters, no conflicts (2 of 4 stars). 2 submissions from 2 submitters: Pathogenic (1); Likely pathogenic (1). Last evaluated 2025-10-01.

Conditions:
KMT2C-related NDD.

Submissions (2):

CeGaT Center for Human Genetics Tuebingen
Classification: Pathogenic. Last evaluated: 2025-10-01. Review status: criteria provided, single submitter. Criteria: CeGaT Center For Human Genetics Tuebingen Variant Classification Criteria Version 2. Collection method: clinical testing. Allele origin: germline. Affected: yes. Observed: 1 variant allele.
Comment: KMT2C: PVS1, PM2, PS4:Supporting

Laboratory of Genetics, Children's Clinical University Hospital Latvia
Classification: Likely pathogenic for KMT2C-related NDD. Review status: criteria provided, single submitter. Criteria: ACMG Guidelines, 2015. Collection method: research. Allele origin: germline. Affected: yes.

Literature cited by the submitters: PubMed 39013459 (cited by Laboratory of Genetics, Children's Clinical University Hospital Latvia).

NM_170606.3(KMT2C):c.7828C>T (p.Arg2610Ter)

Gene: KMT2C (lysine methyltransferase 2C; minus strand). Cytogenetic location: 7q36.1.
Variant type: single nucleotide variant.
Coding change: c.7828C>T on transcript NM_170606.3 (MANE Select); coding-DNA position 7828, C replaced by T.
Protein change: p.Arg2610Ter; replaces arginine 2610 with a stop codon.
Molecular consequence: nonsense.
Genome position (GRCh38, 1-based): chr7:152,177,625, G>A on the plus strand (C>T on the coding strand, the complement: KMT2C is on the minus strand). VCF-style: chr7-152177625-G-A. GRCh37 (hg19) VCF-style: chr7-151874710-G-A.
Other names: short protein forms R2610*.
Identifiers: ClinVar variation 3236512 (VCV003236512.7).
Genomic context (GRCh38, chr7:152,177,625, plus strand): 5'-GTGGCACTTGTTCCAAATCTGGGTGCACAGGTAGCTGATTAGGTAGACCCTGGGGAGGTC[G>A]TCGCATGGGGTCTGTGTGTCTAGGGCCCGGAAAGTCTGGCCGGGGAATGAAGTTTCCATG-3'